The following is an entry in ClinVar:

NM_182972.3(IRF2BP2):c.32C>T (p.Ser11Phe)

Gene: IRF2BP2 (interferon regulatory factor 2 binding protein 2; minus strand). Cytogenetic location: 1q42.3.
Variant type: single nucleotide variant.
Coding change: c.32C>T on transcript NM_182972.3 (MANE Select); coding-DNA position 32, C replaced by T.
Protein change: p.Ser11Phe; replaces serine 11 with phenylalanine.
Molecular consequence: missense variant.
Genome position (GRCh38, 1-based): chr1:234,609,463, G>A on the plus strand (C>T on the coding strand, the complement: IRF2BP2 is on the minus strand). VCF-style: chr1-234609463-G-A. GRCh37 (hg19) VCF-style: chr1-234745209-G-A.
Other names: c.32C>T, p.Ser11Phe (NM_001077397.1); short protein forms S11F.
Identifiers: ClinVar variation 4807377 (VCV004807377.1).
Genomic context (GRCh38, chr1:234,609,463, plus strand): 5'-TCCCAGATCATGGCCCAGGGCATGCGGGGCAGGTCACACAGGTAGCACGACTGCCGCCGG[G>A]ACGCGGCCGCCACCGCCACCGCCGCGGCCATGTCCGAGGAGCCCGCGACGCCGGAGGAGG-3'
Protein context (NP_892017.2, residues 1-21): MAAAVAVAAA[Ser11Phe]RRQSCYLCDL

ClinVar aggregate classification (germline): Uncertain significance (1 of 4 stars; one submission).

Submission:

Labcorp Genetics (formerly Invitae), Labcorp
Classification: Uncertain significance. Last evaluated: 2025-10-18. Review status: criteria provided, single submitter. Criteria: Invitae Variant Classification Sherloc (09022015). Collection method: clinical testing. Allele origin: germline.
Comment: This sequence change replaces serine, which is neutral and polar, with phenylalanine, which is neutral and non-polar, at codon 11 of the IRF2BP2 protein (p.Ser11Phe). This variant is not present in population databases (gnomAD no frequency). This variant has not been reported in the literature in individuals affected with IRF2BP2-related conditions. An algorithm developed to predict the effect of missense changes on protein structure and function (PolyPhen-2) suggests that this variant is likely to be disruptive. In summary, the available evidence is currently insufficient to determine the role of this variant in disease. Therefore, it has been classified as a Variant of Uncertain Significance.